The following is an entry in ClinVar:

NM_198569.3(ADGRG6):c.202A>G (p.Met68Val)

Gene: ADGRG6 (adhesion G protein-coupled receptor G6; plus strand). Cytogenetic location: 6q24.2.
Variant type: single nucleotide variant.
Coding change: c.202A>G on transcript NM_198569.3 (MANE Select); coding-DNA position 202, A replaced by G.
Protein change: p.Met68Val; replaces methionine 68 with valine.
Molecular consequence: missense variant.
Genome position (GRCh38, 1-based): chr6:142,367,667, A>G. VCF-style: chr6-142367667-A-G. GRCh37 (hg19) VCF-style: chr6-142688804-A-G.
Other names: c.202A>G, p.Met68Val (NM_001032394.3, NM_001032395.3, NM_020455.6); short protein forms M68V.
Identifiers: ClinVar variation 713551 (VCV000713551.10), dbSNP rs202040079, ClinGen allele CA4026607.

ClinVar aggregate classification (germline): Conflicting classifications of pathogenicity. Review status: criteria provided, conflicting classifications (1 of 4 stars). 4 submissions from 4 submitters: Uncertain significance (1); Likely benign (2). 1 of the submissions does not count toward it. Last evaluated 2024-11-10.

Conditions:
Inborn genetic diseases. Identifiers: MedGen C0950123, MeSH D030342.
ADGRG6-related disorder. Also called: ADGRG6-related condition.

Allele frequency attached by ClinVar (database versions not stated): gnomAD exomes 0.00010 and 0.00023; ExAC 0.00029; ESP Exome Variant Server 0.00082; gnomAD 0.00106 and 0.00110; TOPMed 0.00108; 1000 Genomes Project 0.00120; 1000 Genomes Project 30x 0.00141.
gnomAD v4.1: 307 of 1,613,782 alleles (0.019%); highest among the groups gnomAD compares: African/African-American, 0.33%; 1 homozygote.

Submissions (4):

Ambry Genetics
Classification: Uncertain significance for Inborn genetic diseases. Last evaluated: 2024-11-10. Review status: criteria provided, single submitter. Criteria: Ambry Variant Classification Scheme 2023. Collection method: clinical testing. Allele origin: germline.

Labcorp Genetics (formerly Invitae), Labcorp
Classification: Likely benign. Last evaluated: 2018-12-19. Review status: criteria provided, single submitter. Criteria: Invitae Variant Classification Sherloc (09022015). Collection method: clinical testing. Allele origin: germline.

Breakthrough Genomics
Classification: Likely benign. Review status: criteria provided, single submitter. Criteria: ACMG Guidelines, 2015. Collection method: not provided. Allele origin: germline. Inheritance: Autosomal recessive inheritance. Affected: yes.

PreventionGenetics, part of Exact Sciences
Classification: Likely benign for ADGRG6-related condition. Last evaluated: 2021-04-26. Review status: no assertion criteria provided. Collection method: clinical testing. Allele origin: germline. Not counted in ClinVar's aggregate classification.
Comment: This variant is classified as likely benign based on ACMG/AMP sequence variant interpretation guidelines (Richards et al. 2015 PMID: 25741868, with internal and published modifications).